The following is an entry in ClinVar:

NM_201384.3(PLEC):c.11879C>G (p.Pro3960Arg)

Gene: PLEC (plectin; minus strand). Cytogenetic location: 8q24.3.
Variant type: single nucleotide variant.
Coding change: c.11879C>G on transcript NM_201384.3 (MANE Select); coding-DNA position 11879, C replaced by G.
Protein change: p.Pro3960Arg; replaces proline 3960 with arginine.
Molecular consequence: missense variant.
Genome position (GRCh38, 1-based): chr8:143,917,942, G>C on the plus strand (C>G on the coding strand, the complement: PLEC is on the minus strand). VCF-style: chr8-143917942-G-C. GRCh37 (hg19) VCF-style: chr8-144992110-G-C.
Other names: c.11960C>G, p.Pro3987Arg (NM_000445.5); c.8579C>G, p.Pro2860Arg (NM_001410941.1); c.11837C>G, p.Pro3946Arg (NM_201378.4); c.11813C>G, p.Pro3938Arg (NM_201379.3); c.12290C>G, p.Pro4097Arg (NM_201380.4); c.11783C>G, p.Pro3928Arg (NM_201381.3); c.11879C>G, p.Pro3960Arg (NM_201382.4); c.11891C>G, p.Pro3964Arg (NM_201383.3); short protein forms P3960R, P3964R, P3987R, P4097R, P2860R, P3938R, P3928R, P3946R.
Identifiers: ClinVar variation 2084316 (VCV002084316.4), dbSNP rs2539270032, ClinGen allele CA372487689.

ClinVar aggregate classification (germline): Uncertain significance (1 of 4 stars; one submission).

Conditions:
Epidermolysis bullosa simplex 5C, with pyloric atresia (EBS5C). Also called: PLEC-Related Epidermolysis Bullosa with Pyloric Atresia; Epidermolysis bullosa simplex with pyloric atresia; PLEC1-Related Epidermolysis Bullosa with Pyloric Atresia. Identifiers: Orphanet 158684, MedGen C2677349, MONDO:0012807, OMIM 612138.
Epidermolysis bullosa simplex with nail dystrophy (EBS5D). Identifiers: MedGen C4225309, MONDO:0014661, OMIM 616487.
Epidermolysis bullosa simplex 5B, with muscular dystrophy (EBS5B). Also called: EPIDERMOLYSIS BULLOSA SIMPLEX AND LIMB-GIRDLE MUSCULAR DYSTROPHY; Epidermolysis bullosa simplex with muscular dystrophy. Identifiers: Orphanet 257, MedGen C2931072, MONDO:0009181, OMIM 226670.
Epidermolysis bullosa simplex, Ogna type (EBS5A). Also called: Pidermolysis bullosa simplex 5A, Ogna type; EPIDERMOLYSIS BULLOSA SIMPLEX 5A, OGNA TYPE. Identifiers: Orphanet 79401, MedGen C0432317, MONDO:0007555, OMIM 131950.
Autosomal recessive limb-girdle muscular dystrophy type 2Q (LGMDR17). Also called: MUSCULAR DYSTROPHY, LIMB-GIRDLE, AUTOSOMAL RECESSIVE 17. Identifiers: Orphanet 254361, MedGen C3150989, MONDO:0013390, OMIM 613723.

Submission:

Labcorp Genetics (formerly Invitae), Labcorp
Classification: Uncertain significance for Autosomal recessive limb-girdle muscular dystrophy type 2Q; Epidermolysis bullosa simplex, Ogna type; Epidermolysis bullosa simplex with nail dystrophy; Epidermolysis bullosa simplex 5C, with pyloric atresia; Epidermolysis bullosa simplex 5B, with muscular dystrophy. Last evaluated: 2022-10-25. Review status: criteria provided, single submitter. Criteria: Invitae Variant Classification Sherloc (09022015). Collection method: clinical testing. Allele origin: germline.
Comment: This sequence change replaces proline, which is neutral and non-polar, with arginine, which is basic and polar, at codon 3987 of the PLEC protein (p.Pro3987Arg). This variant is not present in population databases (gnomAD no frequency). This variant has not been reported in the literature in individuals affected with PLEC-related conditions. Advanced modeling of protein sequence and biophysical properties (such as structural, functional, and spatial information, amino acid conservation, physicochemical variation, residue mobility, and thermodynamic stability) performed at Invitae indicates that this missense variant is not expected to disrupt PLEC protein function. In summary, the available evidence is currently insufficient to determine the role of this variant in disease. Therefore, it has been classified as a Variant of Uncertain Significance.